The following is an entry in ClinVar:

ClinVar aggregate classification (germline): Likely benign. Review status: criteria provided, multiple submitters, no conflicts (2 of 4 stars). 2 submissions from 2 submitters: Likely benign (2). Last evaluated 2025-11-01.

Allele frequency attached by ClinVar (database versions not stated): ESP Exome Variant Server 0.00015; gnomAD exomes 0.00016; gnomAD 0.00017; 1000 Genomes Project 0.00020; TOPMed 0.00020; 1000 Genomes Project 30x 0.00031; ExAC 0.00038.

Submissions (2):

CeGaT Center for Human Genetics Tuebingen
Classification: Likely benign. Last evaluated: 2025-11-01. Review status: criteria provided, single submitter. Criteria: CeGaT Center For Human Genetics Tuebingen Variant Classification Criteria Version 2. Collection method: clinical testing. Allele origin: germline. Affected: yes. Observed: 5 variant alleles.
Comment: SMARCC2: BP4, BP7

Blueprint Genetics
Classification: Likely benign. Last evaluated: 2024-10-23. Review status: criteria provided, single submitter. Criteria: ACMG Guidelines, 2015. Collection method: clinical testing. Allele origin: germline.

NM_001330288.2(SMARCC2):c.3699G>A (p.Pro1233=)

Gene: SMARCC2 (SWI/SNF related BAF chromatin remodeling complex subunit C2; minus strand). Cytogenetic location: 12q13.2.
Variant type: single nucleotide variant.
Coding change: c.3699G>A on transcript NM_001330288.2 (MANE Select); coding-DNA position 3699, G replaced by A.
Protein change: p.Pro1233=; no amino-acid change (proline 1233 retained).
Molecular consequence: synonymous variant.
Genome position (GRCh38, 1-based): chr12:56,163,728, C>T on the plus strand (G>A on the coding strand, the complement: SMARCC2 is on the minus strand). VCF-style: chr12-56163728-C-T. GRCh37 (hg19) VCF-style: chr12-56557512-C-T.
Other names: c.3420G>A, p.Pro1140= (NM_001130420.3); c.3606G>A, p.Pro1202= (NM_003075.5); c.3354G>A, p.Pro1118= (NM_139067.4).
Identifiers: ClinVar variation 2643069 (VCV002643069.25), dbSNP rs181267165, ClinGen allele CA6625471.